The following is an entry in ClinVar:

NM_001267550.2(TTN):c.62131_62135dup (p.Asp20713fs)

Genes: TTN (titin; minus strand), TTN-AS1 (TTN antisense RNA 1; plus strand). Cytogenetic location: 2q31.2.
Variant type: Duplication.
Coding change: c.62131_62135dup on transcript NM_001267550.2 (MANE Select); coding-DNA positions 62131 to 62135, 5 bases duplicated (GGCTC; older notation c.62131_62135dupGGCTC).
Protein change: p.Asp20713fs; shifts the reading frame from aspartic acid 20713.
Molecular consequence: frameshift variant.
Genome position (GRCh38, 1-based): chr2:178,589,590-178,589,594, GAGCC duplicated on the plus strand (GGCTC on the coding strand, the reverse complement: TTN is on the minus strand). VCF-style (leftmost placement, unchanged base first): chr2-178589589-G-GGAGCC. GRCh37 (hg19) VCF-style: chr2-179454316-G-GGAGCC.
Other names: c.34936_34940dupGGCTC (NM_003319.4); c.57208_57212dup, p.Asp19072fs (NM_001256850.1); c.34936_34940dup, p.Asp11648fs (NM_003319.4); c.54427_54431dup, p.Asp18145fs (NM_133378.4); c.35311_35315dup, p.Asp11773fs (NM_133432.3); c.35512_35516dup, p.Asp11840fs (NM_133437.4); short protein forms D11773fs, D18145fs, D20713fs, D19072fs, D11648fs, D11840fs.
Identifiers: ClinVar variation 1731958 (VCV001731958.5), dbSNP rs2469400184, ClinGen allele CA2580064650.

ClinVar aggregate classification (germline): Likely pathogenic. Review status: criteria provided, multiple submitters, no conflicts (2 of 4 stars). 2 submissions from 2 submitters: Likely pathogenic (2). Last evaluated 2023-11-18.

Conditions:
Autosomal recessive limb-girdle muscular dystrophy type 2J (LGMDR10). Also called: Limb-girdle muscular dystrophy, type 2J; MUSCULAR DYSTROPHY, LIMB-GIRDLE, AUTOSOMAL RECESSIVE 10. Identifiers: Orphanet 140922, MedGen C1837342, MONDO:0012127, OMIM 608807.
Dilated cardiomyopathy 1G (CMD1G). Identifiers: Orphanet 154, MedGen C1858763, MONDO:0011400, OMIM 604145.
Cardiovascular phenotype. Identifiers: MedGen CN230736.

Submissions (2):

Labcorp Genetics (formerly Invitae), Labcorp
Classification: Likely pathogenic for Dilated cardiomyopathy 1G; Autosomal recessive limb-girdle muscular dystrophy type 2J. Last evaluated: 2023-11-18. Review status: criteria provided, single submitter. Criteria: Invitae Variant Classification Sherloc (09022015). Collection method: clinical testing. Allele origin: germline.
Comment: This sequence change creates a premature translational stop signal (p.Asp20713Alafs*45) in the TTN gene. While this is not anticipated to result in nonsense mediated decay, it is expected to create a truncated TTN protein. This variant is not present in population databases (gnomAD no frequency). This variant has not been reported in the literature in individuals affected with TTN-related conditions. ClinVar contains an entry for this variant (Variation ID: 1731958). This variant is located in the A band of TTN (PMID: 25589632). Truncating variants in this region are significantly overrepresented in patients affected with dilated cardiomyopathy (PMID: 25589632). Truncating variants in this region have also been reported in individuals affected with autosomal recessive centronuclear myopathy (PMID: 23975875). In summary, the currently available evidence indicates that the variant is pathogenic, but additional data are needed to prove that conclusively. Therefore, this variant has been classified as Likely Pathogenic.

Ambry Genetics
Classification: Likely pathogenic for Cardiovascular phenotype. Last evaluated: 2022-07-15. Review status: criteria provided, single submitter. Criteria: Ambry Variant Classification Scheme 2023. Collection method: clinical testing. Allele origin: germline.
Comment: The c.34936_34940dupGGCTC variant, located in coding exon 131 of the TTN gene, results from a duplication of GGCTC at nucleotide position 34936, causing a translational frameshift with a predicted alternate stop codon (p.D11648Afs*45). This exon is located in the A-band region of the N2-B isoform of the titin protein and is constitutively expressed in TTN transcripts (percent spliced in or PSI 100%). This variant is considered to be rare based on population cohorts in the Genome Aggregation Database (gnomAD). This alteration is expected to result in loss of function by premature protein truncation or nonsense-mediated mRNA decay. While truncating variants in TTN are present in 1-3% of the general population, truncating variants in the A-band are the most common cause of dilated cardiomyopathy (DCM) (Herman DS et al. N. Engl. J. Med., 2012 Feb;366:619-28; Roberts AM et al. Sci Transl Med, 2015 Jan;7:270ra6). TTN truncating variants encoded in constitutive exons (PSI >90%) have been found to be significantly associated with DCM regardless of their position in titin (Schafer S et al. Nat. Genet., 2017 01;49:46-53). Based on the majority of available evidence to date, this variant is likely to be pathogenic.

Literature cited by the submitters: PubMed 25589632 (cited by Labcorp Genetics (formerly Invitae), Labcorp); PubMed 23975875 (cited by Labcorp Genetics (formerly Invitae), Labcorp).